The following is an entry in ClinVar:

ClinVar aggregate classification (germline): Conflicting classifications of pathogenicity. Review status: criteria provided, conflicting classifications (1 of 4 stars). 4 submissions from 4 submitters: Uncertain significance (2); Likely benign (1). 1 of the submissions does not count toward it. Last evaluated 2025-12-21.

Conditions:
Neuroblastoma, susceptibility to, 3. Also called: ALK-Related Neuroblastic Tumor Susceptibility. Identifiers: Orphanet 635, MedGen C2751681, MONDO:0013083, OMIM 613014.
Hereditary cancer-predisposing syndrome. Also called: Neoplastic Syndromes, Hereditary; Hereditary neoplastic syndrome; Tumor predisposition; Hereditary Cancer Syndrome. Identifiers: Orphanet 140162, MedGen C0027672, MeSH D009386, MONDO:0015356.

Allele frequency attached by ClinVar (database versions not stated): gnomAD exomes below 0.00001; TOPMed below 0.00001; ExAC 0.00001; gnomAD 0.00001.
gnomAD v4.1: 7 of 1,614,030 alleles (0.00043%); highest among the groups gnomAD compares: African/African-American, 0.0027%; no homozygotes.

Submissions (4):

Labcorp Genetics (formerly Invitae), Labcorp
Classification: Uncertain significance for Neuroblastoma, susceptibility to, 3. Last evaluated: 2025-12-21. Review status: criteria provided, single submitter. Criteria: Invitae Variant Classification Sherloc (09022015). Collection method: clinical testing. Allele origin: germline.
Comment: This sequence change replaces alanine, which is neutral and non-polar, with threonine, which is neutral and polar, at codon 372 of the ALK protein (p.Ala372Thr). This variant is present in population databases (rs753549939, gnomAD 0.0009%). This variant has not been reported in the literature in individuals affected with ALK-related conditions. ClinVar contains an entry for this variant (Variation ID: 841997). An algorithm developed to predict the effect of missense changes on protein structure and function (PolyPhen-2) suggests that this variant is likely to be tolerated. In summary, the available evidence is currently insufficient to determine the role of this variant in disease. Therefore, it has been classified as a Variant of Uncertain Significance.

Ambry Genetics
Classification: Likely benign for Hereditary cancer-predisposing syndrome. Last evaluated: 2025-05-28. Review status: criteria provided, single submitter. Criteria: Ambry Variant Classification Scheme 2023. Collection method: clinical testing. Allele origin: germline.

Baylor Genetics
Classification: Uncertain significance for Neuroblastoma, susceptibility to, 3. Last evaluated: 2024-02-21. Review status: criteria provided, single submitter. Criteria: ACMG Guidelines, 2015. Collection method: clinical testing. Allele origin: unknown.

Department of Pathology and Laboratory Medicine, Sinai Health System
Classification: Uncertain significance. Review status: no assertion criteria provided. Collection method: clinical testing. Allele origin: unknown. Affected: yes. Study: The Canadian Open Genetics Repository (COGR). Not counted in ClinVar's aggregate classification.
Comment: The ALK p.Ala372Thr variant was not identified in the literature nor was it identified in ClinVar, Cosmic or LOVD 3.0. The variant was identified in dbSNP (ID: rs753549939). The variant was identified in control databases in 1 of 251212 chromosomes at a frequency of 0.000004 (Genome Aggregation Database Feb 27, 2017). The variant was observed in the following population: European (non-Finnish) in 1 of 113546 chromosomes (freq: 0.000009), while the variant was not observed in the African, Latino, Ashkenazi Jewish, East Asian, European (Finnish), Other, and South Asian populations. The p.Ala372 residue is not conserved in mammals and computational analyses (PolyPhen-2, SIFT, AlignGVGD, BLOSUM, MutationTaster) do not suggest a high likelihood of impact to the protein; however, this information is not predictive enough to rule out pathogenicity. The variant occurs outside of the splicing consensus sequence and in silico or computational prediction software programs (SpliceSiteFinder, MaxEntScan, NNSPLICE, GeneSplicer) do not predict a difference in splicing. In summary, based on the above information the clinical significance of this variant cannot be determined with certainty at this time. This variant is classified as a variant of uncertain significance.

NM_004304.5(ALK):c.1114G>A (p.Ala372Thr)

Gene: ALK (ALK receptor tyrosine kinase; minus strand). Cytogenetic location: 2p23.2.
Variant type: single nucleotide variant.
Coding change: c.1114G>A on transcript NM_004304.5 (MANE Select); coding-DNA position 1114, G replaced by A.
Protein change: p.Ala372Thr; replaces alanine 372 with threonine.
Molecular consequence: missense variant.
Genome position (GRCh38, 1-based): chr2:29,531,955, C>T on the plus strand (G>A on the coding strand, the complement: ALK is on the minus strand). VCF-style: chr2-29531955-C-T. GRCh37 (hg19) VCF-style: chr2-29754821-C-T.
Other names: short protein forms A372T.
Identifiers: ClinVar variation 841997 (VCV000841997.10), dbSNP rs753549939, ClinGen allele CA1594764.